The following is an entry in ClinVar:

ClinVar aggregate classification (germline): Benign/Likely benign. Review status: criteria provided, multiple submitters, no conflicts (2 of 4 stars). 5 submissions from 5 submitters: Benign (1); Likely benign (3). 1 of the submissions does not count toward it. Last evaluated 2025-07-03.

Conditions:
Charcot-Marie-Tooth disease type 4G. Also called: CHARCOT-MARIE-TOOTH NEUROPATHY, TYPE 4G; Neuropathy, hereditary motor and sensory, Russe type; CHARCOT-MARIE-TOOTH DISEASE, DEMYELINATING, TYPE 4G. Identifiers: Orphanet 99953, MedGen C1854449, MONDO:0011534, OMIM 605285.
Neurodevelopmental disorder with visual defects and brain anomalies. Identifiers: MedGen C5231404, MONDO:0032807, OMIM 618547.
Hemolytic anemia due to hexokinase deficiency (CNSHA5). Also called: HEMOLYTIC ANEMIA, NONSPHEROCYTIC, DUE TO HEXOKINASE DEFICIENCY; Hexokinase deficiency hemolytic anemia; Non-spherocytic hemolytic anemia due to hexokinase deficiency; ANEMIA, CONGENITAL, NONSPHEROCYTIC HEMOLYTIC, 5. Identifiers: Orphanet 90031, MedGen C3150343, MONDO:0009340, OMIM 235700.
Retinitis pigmentosa 79 (RP79). Identifiers: MedGen C4479526, MONDO:0044320, OMIM 617460.
HK1-related disorder. Also called: HK1-related condition; HK1-related disorders.

Allele frequency attached by ClinVar (database versions not stated): ExAC 0.00083; ESP Exome Variant Server 0.00254; gnomAD 0.00255 and 0.00265; TOPMed 0.00275; 1000 Genomes Project 0.00439; 1000 Genomes Project 30x 0.00468.
gnomAD v4.1: 786 of 1,608,170 alleles (0.049%); highest among the groups gnomAD compares: African/African-American, 0.88%; 5 homozygotes.

Submissions (5):

ARUP Laboratories, Molecular Genetics and Genomics, ARUP Laboratories
Classification: Benign. Last evaluated: 2025-07-03. Review status: criteria provided, single submitter. Criteria: ARUP Molecular Germline Variant Investigation Process 2024. Collection method: clinical testing. Allele origin: germline.

Blueprint Genetics
Classification: Likely benign. Last evaluated: 2024-11-11. Review status: criteria provided, single submitter. Criteria: ACMG Guidelines, 2015. Collection method: clinical testing. Allele origin: germline.

Fulgent Genetics
Classification: Likely benign for Hemolytic anemia due to hexokinase deficiency; Charcot-Marie-Tooth disease type 4G; Retinitis pigmentosa 79; Neurodevelopmental disorder with visual defects and brain anomalies. Last evaluated: 2021-10-08. Review status: criteria provided, single submitter. Criteria: ACMG Guidelines, 2015. Collection method: clinical testing. Allele origin: unknown.

Breakthrough Genomics
Classification: Likely benign. Review status: criteria provided, single submitter. Criteria: ACMG Guidelines, 2015. Collection method: not provided. Allele origin: germline. Inheritance: Autosomal recessive inheritance. Affected: yes.

PreventionGenetics, part of Exact Sciences
Classification: Benign for HK1-related condition. Last evaluated: 2023-02-10. Review status: no assertion criteria provided. Collection method: clinical testing. Allele origin: germline. Not counted in ClinVar's aggregate classification.
Comment: This variant is classified as benign based on ACMG/AMP sequence variant interpretation guidelines (Richards et al. 2015 PMID: 25741868, with internal and published modifications).

NM_001358263.1(HK1):c.53T>C (p.Leu18Pro)

Gene: HK1 (hexokinase 1; plus strand). Cytogenetic location: 10q22.1.
Variant type: single nucleotide variant.
Coding change: c.53T>C on transcript NM_001358263.1 (MANE Plus Clinical); coding-DNA position 53, T replaced by C.
Protein change: p.Leu18Pro; replaces leucine 18 with proline.
Molecular consequence: missense variant. On other transcripts: 5 prime UTR variant (1), genic upstream transcript variant (1).
Genome position (GRCh38, 1-based): chr10:69,295,658, T>C. VCF-style: chr10-69295658-T-C. GRCh37 (hg19) VCF-style: chr10-71055414-T-C.
Other names: c.53T>C, p.Leu18Pro (NM_001322364.2, NM_033497.3, NM_033498.3); c.146T>C, p.Leu49Pro (NM_001322365.2); c.-89T>C (NM_033500.2); c.-23290T>C (NM_000188.3); c.146T>C (NM_001322365.1); short protein forms L18P, L49P.
Identifiers: ClinVar variation 994196 (VCV000994196.16), dbSNP rs79002951, ClinGen allele CA5532094.